The following is an entry in ClinVar:

NM_018429.3(BDP1):c.2122T>C (p.Leu708=)

Gene: BDP1 (BDP1 general transcription factor IIIB subunit; plus strand). Cytogenetic location: 5q13.2.
Variant type: single nucleotide variant.
Coding change: c.2122T>C on transcript NM_018429.3 (MANE Select); coding-DNA position 2122, T replaced by C.
Protein change: p.Leu708=; no amino-acid change (leucine 708 retained).
Molecular consequence: synonymous variant.
Genome position (GRCh38, 1-based): chr5:71,502,672, T>C. VCF-style: chr5-71502672-T-C. GRCh37 (hg19) VCF-style: chr5-70798499-T-C.
Identifiers: ClinVar variation 3040300 (VCV003040300.2), dbSNP rs370260690, ClinGen allele CA3296187.

ClinVar aggregate classification (germline): Likely benign (0 of 4 stars; one submission).

Conditions:
BDP1-related disorder. Also called: BDP1-related condition.

Allele frequency attached by ClinVar (database versions not stated): ExAC 0.00002; gnomAD 0.00002; gnomAD exomes 0.00002; TOPMed 0.00003; ESP Exome Variant Server 0.00008.
gnomAD v4.1: 35 of 1,613,916 alleles (0.0022%); highest among the groups gnomAD compares: Admixed American, 0.0017%; no homozygotes.

Submission:

PreventionGenetics, part of Exact Sciences
Classification: Likely benign for BDP1-related condition. Last evaluated: 2019-10-28. Review status: no assertion criteria provided. Collection method: clinical testing. Allele origin: germline.
Comment: This variant is classified as likely benign based on ACMG/AMP sequence variant interpretation guidelines (Richards et al. 2015 PMID: 25741868, with internal and published modifications).